The following is an entry in ClinVar:

NM_033225.6(CSMD1):c.6987G>A (p.Ser2329=)

Gene: CSMD1 (CUB and Sushi multiple domains 1; minus strand). Cytogenetic location: 8p23.2.
Variant type: single nucleotide variant.
Coding change: c.6987G>A on transcript NM_033225.6 (MANE Select); coding-DNA position 6987, G replaced by A.
Protein change: p.Ser2329=; no amino-acid change (serine 2329 retained).
Molecular consequence: synonymous variant.
Genome position (GRCh38, 1-based): chr8:3,097,000, C>T on the plus strand (G>A on the coding strand, the complement: CSMD1 is on the minus strand). VCF-style: chr8-3097000-C-T. GRCh37 (hg19) VCF-style: chr8-2954522-C-T.
Identifiers: ClinVar variation 3904989 (VCV003904989.10).

ClinVar aggregate classification (germline): Likely benign (1 of 4 stars; one submission).

gnomAD v4.1: 1,986 of 1,555,206 alleles (0.13%); highest among the groups gnomAD compares: Non-Finnish European, 0.15%; 3 homozygotes.

Submission:

CeGaT Center for Human Genetics Tuebingen
Classification: Likely benign. Last evaluated: 2025-10-01. Review status: criteria provided, single submitter. Criteria: CeGaT Center For Human Genetics Tuebingen Variant Classification Criteria Version 2. Collection method: clinical testing. Allele origin: germline. Affected: yes. Observed: 2 variant alleles.
Comment: CSMD1: BP4, BP7